The following is an entry in ClinVar:

NM_000260.4(MYO7A):c.2617C>T (p.Arg873Trp)

Gene: MYO7A (myosin VIIA; plus strand). Cytogenetic location: 11q13.5.
Variant type: single nucleotide variant.
Coding change: c.2617C>T on transcript NM_000260.4 (MANE Select); coding-DNA position 2617, C replaced by T.
Protein change: p.Arg873Trp; replaces arginine 873 with tryptophan.
Molecular consequence: missense variant.
Genome position (GRCh38, 1-based): chr11:77,180,404, C>T. VCF-style: chr11-77180404-C-T. GRCh37 (hg19) VCF-style: chr11-76891450-C-T.
Other names: c.2617C>T, p.Arg873Trp (NM_001127180.2); c.2584C>T, p.Arg862Trp (NM_001369365.1); short protein forms R873W, R862W.
Identifiers: ClinVar variation 43187 (VCV000043187.37), dbSNP rs200454015, ClinGen allele CA132257.

ClinVar aggregate classification (germline): Conflicting classifications of pathogenicity. Review status: criteria provided, conflicting classifications (1 of 4 stars). 14 submissions from 12 submitters: Uncertain significance (8); Benign (1); Likely benign (3). 2 of the submissions do not count toward it. Last evaluated 2026-01-26.

Conditions:
MYO7A-related disorder. Also called: MYO7A-related disorders.
Meniere disease. Also called: Ménière's disease. Identifiers: MedGen C0025281, MONDO:0007972, OMIM 156000.
Usher syndrome type 1 (USH1). Also called: RETINITIS PIGMENTOSA AND CONGENITAL DEAFNESS. Identifiers: Orphanet 231169, Orphanet 886, MedGen C1568247, MONDO:0010168, OMIM 276900.
Autosomal dominant nonsyndromic hearing loss 11. Identifiers: Orphanet 90635, MedGen C1832475, MONDO:0011032, OMIM 601317.
Autosomal recessive nonsyndromic hearing loss 2. Also called: DEAFNESS, AUTOSOMAL RECESSIVE 2; NEUROSENSORY NONSYNDROMIC RECESSIVE DEAFNESS 2. Identifiers: Orphanet 90636, MedGen C1838701, MONDO:0010807, OMIM 600060.
Usher syndrome type 1B (USH1B). Also called: Usher syndrome type IB. Identifiers: MedGen C1848638, MONDO:0700087.

Allele frequency attached by ClinVar (database versions not stated): 1000 Genomes Project 0.00040; 1000 Genomes Project 30x 0.00047; TOPMed 0.00059; ESP Exome Variant Server 0.00072.

Submissions (14):

Labcorp Genetics (formerly Invitae), Labcorp
Classification: Likely benign. Last evaluated: 2026-01-26. Review status: criteria provided, single submitter. Criteria: Invitae Variant Classification Sherloc (09022015). Collection method: clinical testing. Allele origin: germline.

Blueprint Genetics
Classification: Likely benign. Last evaluated: 2024-11-22. Review status: criteria provided, single submitter. Criteria: ACMG Guidelines, 2015. Collection method: clinical testing. Allele origin: germline.

GeneDx
Classification: Uncertain significance. Last evaluated: 2022-11-03. Review status: criteria provided, single submitter. Criteria: GeneDx Variant Classification Process June 2021. Collection method: clinical testing. Allele origin: germline. Affected: yes.
Comment: Identified in the heterozygous state in individuals with Usher syndrome or hearing loss as well as unaffected members of some families, and no second pathogenic variant was reported in the affected individuals (Kothiyal et al., 2010; Vastinsalo et al., 2013; Zazo Seco et al., 2017); In silico analysis supports that this missense variant has a deleterious effect on protein structure/function; This variant is associated with the following publications: (PMID: 22135276, 21487335, 23891399, 20146813, 30245029, 34426522, 28000701, 22681893, 34391192)

Myriad Genetics, Inc.
Classification: Uncertain significance for Usher syndrome type 1. Last evaluated: 2021-11-03. Review status: criteria provided, single submitter. Criteria: Myriad Women's Health Autosomal Recessive and X-Linked Classification Criteria (2021). Collection method: clinical testing. Allele origin: unknown.
Comment: NM_000260.3(MYO7A):c.2617C>T(R873W) is a missense variant classified as a variant of uncertain significance in the context of MYO7A-related disorders. R873W has been observed in cases with relevant disease (PMID: 22681893, 20146813, 28000701). Functional assessments of this variant are not available in the literature. R873W has been observed in population frequency databases (gnomAD: FIN 0.23%). In summary, there is insufficient evidence to classify NM_000260.3(MYO7A):c.2617C>T(R873W) as pathogenic or benign. Please note: this variant was assessed in the context of healthy population screening.

Otology & Neurotology- Genomics of vestibular disorders (CTS-495), Jose Antonio López Escámez, Centro Pfizer - Universidad de Granada - Junta de Andalucía de Genómica e Investigación Oncológica (GENYO)
Classification: Uncertain significance for Meniere disease. Last evaluated: 2020-12-14. Review status: criteria provided, single submitter. Criteria: ACMG Guidelines, 2015. Collection method: case-control. Allele origin: germline. Affected: yes. Observed: 1 heterozygote.

Mendelics
Classification: Benign for Autosomal recessive nonsyndromic hearing loss 2. Last evaluated: 2019-05-28. Review status: criteria provided, single submitter. Criteria: Mendelics Assertion Criteria 2017. Collection method: clinical testing. Allele origin: unknown.

Centre for Mendelian Genomics, University Medical Centre Ljubljana
Classification: Uncertain significance for Autosomal dominant nonsyndromic hearing loss 11. Last evaluated: 2018-12-20. Review status: criteria provided, single submitter. Criteria: ACMG Guidelines, 2015. Collection method: clinical testing. Allele origin: unknown. Affected: yes.
Comment: This variant was classified as: Uncertain significance. The following ACMG criteria were applied in classifying this variant: PP3.

Illumina Laboratory Services, Illumina
Classification: Uncertain significance for Autosomal recessive nonsyndromic hearing loss 2. Last evaluated: 2017-04-27. Review status: criteria provided, single submitter. Criteria: ICSL Variant Classification Criteria 13 December 2019. Collection method: clinical testing. Allele origin: germline.

Illumina Laboratory Services, Illumina
Classification: Uncertain significance for Usher syndrome type 1. Last evaluated: 2017-04-27. Review status: criteria provided, single submitter. Criteria: ICSL Variant Classification Criteria 13 December 2019. Collection method: clinical testing. Allele origin: germline.

Illumina Laboratory Services, Illumina
Classification: Uncertain significance for Autosomal dominant nonsyndromic hearing loss 11. Last evaluated: 2017-04-27. Review status: criteria provided, single submitter. Criteria: ICSL Variant Classification Criteria 13 December 2019. Collection method: clinical testing. Allele origin: germline.

Eurofins Ntd Llc (ga)
Classification: Uncertain significance. Last evaluated: 2014-10-16. Review status: criteria provided, single submitter. Criteria: EGL Classification Definitions 2015. Collection method: clinical testing. Allele origin: germline. Observed: 1 variant allele, 1 heterozygote.

Laboratory for Molecular Medicine, Mass General Brigham Personalized Medicine
Classification: Likely benign. Last evaluated: 2012-02-09. Review status: criteria provided, single submitter. Criteria: LMM Criteria. Collection method: clinical testing. Allele origin: germline. Observed: 4 variant alleles.
Comment: p.Arg873Trp in exon 22 of MYO7A: This variant has been reported in 4 individual s with sensorineural hearing loss or Usher syndrome; however, none of these indi viduals had a second MYO7A variant (Saihan 2011, Kothiyal 2010, Strike 2008). Th is variant has also been identified in 0.2% (141/62260) of European chromosomes including 1 homozygote by the Exome Aggregation Consortium (ExAC; dbSNP rs200454015). Based upon identification in 0.2% of contr ols and not identifying a second MYO7A variant in any affected individuals, this variant is likely benign.

PreventionGenetics, part of Exact Sciences
Classification: Likely benign for MYO7A-related condition. Last evaluated: 2024-08-16. Review status: no assertion criteria provided. Collection method: clinical testing. Allele origin: germline. Not counted in ClinVar's aggregate classification.
Comment: This variant is classified as likely benign based on ACMG/AMP sequence variant interpretation guidelines (Richards et al. 2015 PMID: 25741868, with internal and published modifications).

Natera, Inc.
Classification: Likely benign for Usher syndrome type 1B. Last evaluated: 2020-04-16. Review status: no assertion criteria provided. Collection method: clinical testing. Allele origin: germline. Not counted in ClinVar's aggregate classification.

Literature cited by the submitters: PubMed 22681893 (cited by Myriad Genetics, Inc. and Eurofins Ntd Llc (ga)); PubMed 20146813 (cited by Myriad Genetics, Inc. and Laboratory for Molecular Medicine, Mass General Brigham Personalized Medicine); PubMed 28000701 (cited by Myriad Genetics, Inc.); PubMed 21487335 (cited by Laboratory for Molecular Medicine, Mass General Brigham Personalized Medicine).